The following is an entry in ClinVar:

NM_007294.4(BRCA1):c.1724A>C (p.Glu575Ala)

Gene: BRCA1 (BRCA1 DNA repair associated; minus strand). Cytogenetic location: 17q21.31.
Variant type: single nucleotide variant.
Coding change: c.1724A>C on transcript NM_007294.4 (MANE Select); coding-DNA position 1724, A replaced by C.
Protein change: p.Glu575Ala; replaces glutamic acid 575 with alanine.
Molecular consequence: missense variant. On other transcripts: intron variant (137).
Genome position (GRCh38, 1-based): chr17:43,093,807, T>G on the plus strand (A>C on the coding strand, the complement: BRCA1 is on the minus strand). VCF-style: chr17-43093807-T-G. GRCh37 (hg19) VCF-style: chr17-41245824-T-G.
Other names: c.787+937A>C (NM_001407980.1, NM_001407993.1, NM_001407976.1 and 19 more transcripts); c.652+937A>C (NM_001408451.1); c.643+937A>C (NM_001408464.1, NM_001408463.1, NM_001408465.1 and 3 more transcripts); c.646+937A>C (NM_001408467.1, NM_001408459.1, NM_001408456.1 and 11 more transcripts); c.523+937A>C (NM_001408498.1, NM_001408499.1, NM_001408501.1 and 3 more transcripts); c.583+937A>C (NM_001408475.1); c.709+937A>C (NM_001408412.1, NM_001408414.1, NM_001408411.1 and 2 more transcripts); c.836A>C, p.Glu279Ala (NM_001407966.1, NM_001407967.1); and 40 more; short protein forms E447A, E486A, E504A, E505A, E528A, E464A, E487A, E527A.
Identifiers: ClinVar variation 3825285 (VCV003825285.1).
Genomic context (GRCh38, chr17:43,093,807, plus strand): 5'-TCCATATTGCTTATACTGCTGCTTATAGGTTCAGCTTTCGTTTTGAAAGCAGATTCTTTT[T>G]CGAGTGATTCTATTGGGTTAGGATTTTTCTCATTCTGAATAGAATCACCTTTTGTTTTAT-3'
Protein context (NP_009225.1, residues 565-585): EKNPNPIESL[Glu575Ala]KESAFKTKAE

ClinVar aggregate classification (germline): Uncertain significance (1 of 4 stars; one submission).

Conditions:
Hereditary cancer-predisposing syndrome. Also called: Hereditary neoplastic syndrome; Neoplastic Syndromes, Hereditary; Tumor predisposition; Hereditary Cancer Syndrome. Identifiers: Orphanet 140162, MedGen C0027672, MeSH D009386, MONDO:0015356.

Submission:

Ambry Genetics
Classification: Uncertain significance for Hereditary cancer-predisposing syndrome. Last evaluated: 2024-12-21. Review status: criteria provided, single submitter. Criteria: Ambry Variant Classification Scheme 2023. Collection method: clinical testing. Allele origin: germline.
Comment: The p.E575A variant (also known as c.1724A>C), located in coding exon 9 of the BRCA1 gene, results from an A to C substitution at nucleotide position 1724. The glutamic acid at codon 575 is replaced by alanine, an amino acid with dissimilar properties. This amino acid position is conserved. In addition, the in silico prediction for this alteration is inconclusive. Based on the available evidence, the clinical significance of this variant remains unclear.